The following is an entry in ClinVar:

NM_003601.4(SMARCA5):c.2430A>T (p.Ala810=)

Gene: SMARCA5 (SNF2 related chromatin remodeling ATPase 5; plus strand). Cytogenetic location: 4q31.21.
Variant type: single nucleotide variant.
Coding change: c.2430A>T on transcript NM_003601.4 (MANE Select); coding-DNA position 2430, A replaced by T.
Protein change: p.Ala810=; no amino-acid change (alanine 810 retained).
Molecular consequence: synonymous variant.
Genome position (GRCh38, 1-based): chr4:143,545,957, A>T. VCF-style: chr4-143545957-A-T. GRCh37 (hg19) VCF-style: chr4-144467110-A-T.
Identifiers: ClinVar variation 4873021 (VCV004873021.2).

ClinVar aggregate classification (germline): Likely benign (1 of 4 stars; one submission).

Submission:

CeGaT Center for Human Genetics Tuebingen
Classification: Likely benign. Last evaluated: 2026-04-01. Review status: criteria provided, single submitter. Criteria: CeGaT Center For Human Genetics Tuebingen Variant Classification Criteria Version 2. Collection method: clinical testing. Allele origin: germline. Affected: yes. Observed: 3 variant alleles.
Comment: SMARCA5: PM2:Supporting, BP4, BP7